The following is an entry in ClinVar:

ClinVar aggregate classification (germline): Pathogenic (1 of 4 stars; one submission).

Conditions:
COL7A1-related disorder. Also called: COL7A1- related disorders; COL7A1-related condition.

Submission:

PreventionGenetics, part of Exact Sciences
Classification: Pathogenic for COL7A1-related condition. Last evaluated: 2022-09-20. Review status: criteria provided, single submitter. Criteria: ACMG Guidelines, 2015. Collection method: clinical testing. Allele origin: germline.
Comment: The COL7A1 c.6100G>T variant is predicted to result in the amino acid substitution p.Gly2034Trp. This variant resides in exon 73 and results in a glycine residue substitution. Glycine substitution variants in the triple helical domain (Gly-X-Y; especially in exons 73, 74, and 75) are predominant in autosomal dominant dystrophic epidermolysis bullosa (DDEB). Furthermore, a different amino acid substitution at this position (Arg) is one of the most common DDEB-causing pathogenic variants. The c.6100G>T (p.Gly2034Trp) variant has been previously reported in the heterozygous state in an individual with dystrophic epidermolysis bullosa (Rouan et al. 1998. PubMed ID: 9856843; Almaani et al. 2011. PubMed ID: 21448560, Table S1). This variant has not been reported in a large population database, indicating this variant is rare. This variant is interpreted as pathogenic.

NM_000094.4(COL7A1):c.6100G>T (p.Gly2034Trp)

Gene: COL7A1 (collagen type VII alpha 1 chain; minus strand). Cytogenetic location: 3p21.31.
Variant type: single nucleotide variant.
Coding change: c.6100G>T on transcript NM_000094.4 (MANE Select); coding-DNA position 6100, G replaced by T.
Protein change: p.Gly2034Trp; replaces glycine 2034 with tryptophan.
Molecular consequence: missense variant.
Genome position (GRCh38, 1-based): chr3:48,575,419, C>A on the plus strand (G>T on the coding strand, the complement: COL7A1 is on the minus strand). VCF-style: chr3-48575419-C-A. GRCh37 (hg19) VCF-style: chr3-48612852-C-A.
Other names: short protein forms G2034W.
Identifiers: ClinVar variation 2636169 (VCV002636169.1), dbSNP rs121912844, ClinGen allele CA352663222.